The following is an entry in ClinVar:

NM_004360.5(CDH1):c.504del (p.Gly169fs)

Gene: CDH1 (cadherin 1; plus strand). Cytogenetic location: 16q22.1.
Variant type: Deletion.
Coding change: c.504del on transcript NM_004360.5 (MANE Select); coding-DNA position 504, one base deleted (A; older notation c.504delA).
Protein change: p.Gly169fs; shifts the reading frame from glycine 169.
Molecular consequence: frameshift variant. On other transcripts: 5 prime UTR variant (2).
Genome position (GRCh38, 1-based): chr16:68,808,540, A deleted; the last of 5 consecutive A bases (chr16:68,808,536-68,808,540); deleting any one gives the same sequence. VCF-style (leftmost placement, unchanged base first): chr16-68808535-GA-G. GRCh37 (hg19) VCF-style: chr16-68842438-GA-G.
Other names: c.504del (LRG_301t1, NM_004360.3); c.504del, p.Gly169fs (NM_001317184.2); c.-1112del (NM_001317185.2); c.-1316del (NM_001317186.2); c.504delA (NM_004360.5); short protein forms G169fs.
Identifiers: ClinVar variation 220776 (VCV000220776.23), dbSNP rs864622655, ClinGen allele CA348941.

ClinVar aggregate classification (germline): Pathogenic. Review status: reviewed by expert panel (3 of 4 stars). 6 submissions from 6 submitters: Pathogenic (1). 5 of the submissions do not count toward it. Last evaluated 2023-08-25.

Conditions:
CDH1-related diffuse gastric and lobular breast cancer syndrome. Also called: CDH1-related diffuse gastric and lobular breast cancer. Identifiers: MedGen CN311521, MONDO:0100488.
Hereditary cancer-predisposing syndrome. Also called: Tumor predisposition; Hereditary neoplastic syndrome; Neoplastic Syndromes, Hereditary; Hereditary Cancer Syndrome. Identifiers: Orphanet 140162, MedGen C0027672, MeSH D009386, MONDO:0015356.
Hereditary diffuse gastric adenocarcinoma (HDGC). Also called: DIFFUSE GASTRIC AND LOBULAR BREAST CANCER SYNDROME. Identifiers: Orphanet 26106, MedGen C1708349, MONDO:0007648, OMIM 137215.
Malignant tumor of breast. Also called: Malignant breast neoplasm; Cancer breast. Identifiers: MedGen C0006142, MONDO:0007254. Disease mechanism: loss of function.

Submissions (6):

Clingen Gastric Cancer Variant Curation Expert Panel
Classification: Pathogenic for CDH1-related diffuse gastric and lobular breast cancer syndrome. Last evaluated: 2023-08-25. Review status: reviewed by expert panel. Criteria: ClinGen CDH1 ACMG Specifications V3.1. Collection method: curation. Allele origin: germline. Inheritance: Autosomal dominant inheritance.
Comment: The c.504delA p.(Gly169Alafs) variant is predicted to result in a premature stop codon that leads to a truncated or absent protein (PVS1, PM5_Supporting). The variant is absent in the gnomAD cohort (PM2_Supporting). This variant has been reported in at least one family meeting HDGC clinical criteria (PS4_Supporting; DOI: 10.1200/PO.16.00021). In summary, this variant meets criteria to be classified as pathogenic based on the ACMG/AMP criteria applied as specified by the CDH1 Variant Curation Expert Panel (Variant Interpretation Guidelines Version 3.1): PVS1, PM2_Supporting, PS4_Supporting, PM5_Supporting.

Ambry Genetics
Classification: Pathogenic for Hereditary cancer-predisposing syndrome. Last evaluated: 2025-12-04. Review status: criteria provided, single submitter. Criteria: Ambry Variant Classification Scheme 2023. Collection method: clinical testing. Allele origin: germline. Not counted in ClinVar's aggregate classification.
Comment: The c.504delA pathogenic mutation, located in coding exon 4 of the CDH1 gene, results from a deletion of one nucleotide at nucleotide position 504, causing a translational frameshift with a predicted alternate stop codon (p.G169Afs*46). This variant was reported in individual(s) with features consistent with CDH1-related diffuse gastric and lobular breast cancer (DGLBC) (Lowstuter K et al. JCO Precision Oncology, 2017 Mar;1,1-12). This variant is considered to be rare based on population cohorts in the Genome Aggregation Database (gnomAD). This alteration is expected to result in loss of function by premature protein truncation or nonsense-mediated mRNA decay. As such, this alteration is interpreted as a disease-causing mutation.

Labcorp Genetics (formerly Invitae), Labcorp
Classification: Pathogenic for Hereditary diffuse gastric adenocarcinoma. Last evaluated: 2025-11-10. Review status: criteria provided, single submitter. Criteria: Invitae Variant Classification Sherloc (09022015). Collection method: clinical testing. Allele origin: germline. Not counted in ClinVar's aggregate classification.
Comment: This sequence change creates a premature translational stop signal (p.Gly169Alafs*46) in the CDH1 gene. It is expected to result in an absent or disrupted protein product. Loss-of-function variants in CDH1 are known to be pathogenic (PMID: 15235021, 20373070). This variant is not present in population databases (gnomAD no frequency). This variant has not been reported in the literature in individuals affected with CDH1-related conditions. ClinVar contains an entry for this variant (Variation ID: 220776). For these reasons, this variant has been classified as Pathogenic.

Women's Health and Genetics/Laboratory Corporation of America, LabCorp
Classification: Pathogenic for Malignant tumor of breast. Last evaluated: 2024-08-01. Review status: criteria provided, single submitter. Criteria: LabCorp Variant Classification Summary - May 2015. Collection method: clinical testing. Allele origin: germline. Not counted in ClinVar's aggregate classification.
Comment: Variant summary: CDH1 c.504delA (p.Gly169AlafsX46) results in a premature termination codon, predicted to cause a truncation of the encoded protein or absence of the protein due to nonsense mediated decay, which are commonly known mechanisms for disease. The variant was absent in 251348 control chromosomes. c.504delA has been reported in the literature in individual(s) affected with Breast Cancer (e.g. Adib_2022). The following publication have been ascertained in the context of this evaluation (PMID: 34949788). ClinVar contains an entry for this variant (Variation ID: 220776). Based on the evidence outlined above, the variant was classified as pathogenic.

Clinical Genetics Laboratory, Skane University Hospital Lund
Classification: Pathogenic. Last evaluated: 2024-03-18. Review status: criteria provided, single submitter. Criteria: ACMG Guidelines, 2015. Collection method: clinical testing. Allele origin: germline. Affected: yes. Not counted in ClinVar's aggregate classification.

Myriad Genetics, Inc.
Classification: Pathogenic for Hereditary diffuse gastric adenocarcinoma. Last evaluated: 2023-06-09. Review status: criteria provided, single submitter. Criteria: Myriad Autosomal Dominant, Autosomal Recessive and X-Linked Classification Criteria (2023). Collection method: clinical testing. Allele origin: unknown. Not counted in ClinVar's aggregate classification.
Comment: This variant is considered pathogenic. This variant creates a frameshift predicted to result in premature protein truncation.

Literature cited by the submitters: PubMed 15235021 (cited by Labcorp Genetics (formerly Invitae), Labcorp); PubMed 20373070 (cited by Labcorp Genetics (formerly Invitae), Labcorp); PubMed 34949788 (cited by Women's Health and Genetics/Laboratory Corporation of America, LabCorp).